The following is an entry in ClinVar:

NM_031220.4(PITPNM3):c.588-3C>T

Gene: PITPNM3 (PITPNM family member 3; minus strand). Cytogenetic location: 17p13.2.
Variant type: single nucleotide variant.
Coding change: c.588-3C>T on transcript NM_031220.4 (MANE Select); 3 bases into the intron before coding-DNA position 588, C replaced by T.
Molecular consequence: intron variant.
Genome position (GRCh38, 1-based): chr17:6,478,739, G>A on the plus strand (C>T on the coding strand, the complement: PITPNM3 is on the minus strand). VCF-style: chr17-6478739-G-A. GRCh37 (hg19) VCF-style: chr17-6382059-G-A.
Other names: c.480-3C>T (NM_001165966.2).
Identifiers: ClinVar variation 1944448 (VCV001944448.5), dbSNP rs372348605, ClinGen allele CA8329782.

ClinVar aggregate classification (germline): Uncertain significance (1 of 4 stars; one submission).

Allele frequency attached by ClinVar (database versions not stated): gnomAD 0.00001; gnomAD exomes 0.00001; ExAC 0.00003; ESP Exome Variant Server 0.00008.
gnomAD v4.1: 9 of 1,562,236 alleles (0.00058%); highest among the groups gnomAD compares: East Asian, 0.0094%; no homozygotes.

Submission:

Labcorp Genetics (formerly Invitae), Labcorp
Classification: Uncertain significance. Last evaluated: 2023-11-27. Review status: criteria provided, single submitter. Criteria: Invitae Variant Classification Sherloc (09022015). Collection method: clinical testing. Allele origin: germline.
Comment: This sequence change falls in intron 6 of the PITPNM3 gene. It does not directly change the encoded amino acid sequence of the PITPNM3 protein. It affects a nucleotide within the consensus splice site. The frequency data for this variant in the population databases is considered unreliable, as metrics indicate poor data quality at this position in the gnomAD database. This variant has not been reported in the literature in individuals affected with PITPNM3-related conditions. ClinVar contains an entry for this variant (Variation ID: 1944448). Variants that disrupt the consensus splice site are a relatively common cause of aberrant splicing (PMID: 17576681, 9536098). Algorithms developed to predict the effect of sequence changes on RNA splicing suggest that this variant is not likely to affect RNA splicing. In summary, the available evidence is currently insufficient to determine the role of this variant in disease. Therefore, it has been classified as a Variant of Uncertain Significance.

Literature cited by the submitters: PubMed 17576681; PubMed 9536098.